The following is an entry in ClinVar:

NM_033641.4(COL4A6):c.2353+56G>A

Gene: COL4A6 (collagen type IV alpha 6 chain; minus strand). Cytogenetic location: Xq22.3.
Variant type: single nucleotide variant.
Coding change: c.2353+56G>A on transcript NM_033641.4 (MANE Select); 56 bases into the intron after coding-DNA position 2353, G replaced by A.
Molecular consequence: intron variant.
Genome position (GRCh38, 1-based): chrX:108,179,161, C>T on the plus strand (G>A on the coding strand, the complement: COL4A6 is on the minus strand). VCF-style: chrX-108179161-C-T. GRCh37 (hg19) VCF-style: chrX-107422391-C-T.
Other names: c.2356+56G>A (NM_001847.4); c.2353+56G>A (NM_001287760.2, NM_001287759.2); c.2404+56G>A (NM_001287758.2).
Identifiers: ClinVar variation 683229 (VCV000683229.2), dbSNP rs55655600, ClinGen allele CA334046287.
Genomic context (GRCh38, chrX:108,179,161, plus strand): 5'-CATTTTAACCCCTTAATTAAACCATCACCCCAGATTCATGCAAGTATTCATGGAAGTATA[C>T]GAATTAATATAAGGCTTTCTGTAGATTGTTAAATAATTGGGGCAAAAAGATTCACCCTTG-3'

ClinVar aggregate classification (germline): Likely benign. Review status: criteria provided, multiple submitters, no conflicts (2 of 4 stars). 2 submissions from 2 submitters: Likely benign (2). Last evaluated 2018-06-16.

Allele frequency attached by ClinVar (database versions not stated): gnomAD exomes 0.02435; gnomAD 0.02819 and 0.02835; TOPMed 0.03327; 1000 Genomes Project 0.04954; 1000 Genomes Project 30x 0.05099.
gnomAD v4.1: 26,397 of 1,059,189 alleles (2.5%); highest among the groups gnomAD compares: East Asian, 7.9%; 291 homozygotes.

Submissions (2):

GeneDx
Classification: Likely benign. Last evaluated: 2018-06-16. Review status: criteria provided, single submitter. Criteria: GeneDx Variant Classification (06012015). Collection method: clinical testing. Allele origin: germline. Affected: yes.
Comment: This variant is considered likely benign or benign based on one or more of the following criteria: it is a conservative change, it occurs at a poorly conserved position in the protein, it is predicted to be benign by multiple in silico algorithms, and/or has population frequency not consistent with disease.

Breakthrough Genomics
Classification: Likely benign. Review status: criteria provided, single submitter. Criteria: ACMG Guidelines, 2015. Collection method: not provided. Allele origin: germline. Inheritance: X-linked inheritance. Affected: yes.